The following is an entry in ClinVar:

NM_000362.5(TIMP3):c.499G>A (p.Asp167Asn)

Genes: SYN3 (synapsin III; minus strand), TIMP3 (TIMP metallopeptidase inhibitor 3; plus strand). Cytogenetic location: 22q12.3.
Variant type: single nucleotide variant.
Coding change: c.499G>A on transcript NM_000362.5 (MANE Select); coding-DNA position 499, G replaced by A.
Protein change: p.Asp167Asn; replaces aspartic acid 167 with asparagine.
Molecular consequence: missense variant. On other transcripts: intron variant (7).
Genome position (GRCh38, 1-based): chr22:32,859,240, G>A. VCF-style: chr22-32859240-G-A. GRCh37 (hg19) VCF-style: chr22-33255227-G-A.
Other names: c.708+5675C>T (NM_001369909.1, NM_001135774.2, NM_001369910.1); c.711+5675C>T (NM_001369907.1, NM_003490.4, NM_001369908.1 and 1 more transcripts); short protein forms D167N.
Identifiers: ClinVar variation 1476665 (VCV001476665.9), dbSNP rs1042630476, ClinGen allele CA323660672.
Genomic context (GRCh38, chr22:32,859,240, plus strand): 5'-ATCAAGTCCTGCTACTACCTGCCTTGCTTTGTGACTTCCAAGAACGAGTGTCTCTGGACC[G>A]ACATGCTCTCCAATTTCGGTTACCCTGGCTACCAGTCCAAACACTACGCCTGCATCCGGC-3'
Protein context (NP_000353.1, residues 157-177): VTSKNECLWT[Asp167Asn]MLSNFGYPGY

ClinVar aggregate classification (germline): Uncertain significance. Review status: criteria provided, multiple submitters, no conflicts (2 of 4 stars). 2 submissions from 2 submitters: Uncertain significance (2). Last evaluated 2025-09-15.

Conditions:
Retinal dystrophy. Also called: Inherited retinal dystrophy. Identifiers: Orphanet 71862, MedGen C0854723, MeSH D058499, MONDO:0019118, HP:0000556.

Allele frequency attached by ClinVar (database versions not stated): gnomAD exomes below 0.00001; TOPMed below 0.00001.
gnomAD v4.1: 1 of 1,614,140 alleles (0.000062%); highest among the groups gnomAD compares: East Asian, 0.0022%; no homozygotes.

Submissions (2):

Labcorp Genetics (formerly Invitae), Labcorp
Classification: Uncertain significance. Last evaluated: 2025-09-15. Review status: criteria provided, single submitter. Criteria: Invitae Variant Classification Sherloc (09022015). Collection method: clinical testing. Allele origin: germline.
Comment: This sequence change replaces aspartic acid, which is acidic and polar, with asparagine, which is neutral and polar, at codon 167 of the TIMP3 protein (p.Asp167Asn). This variant is not present in population databases (gnomAD no frequency). This missense change has been observed in individual(s) with the TIMP3-related conditions (PMID: 28181551). ClinVar contains an entry for this variant (Variation ID: 1476665). An algorithm developed to predict the effect of missense changes on protein structure and function (PolyPhen-2) suggests that this variant is likely to be disruptive. In summary, the available evidence is currently insufficient to determine the role of this variant in disease. Therefore, it has been classified as a Variant of Uncertain Significance.

Institute of Human Genetics, Univ. Regensburg, Univ. Regensburg
Classification: Uncertain significance for Retinal dystrophy. Last evaluated: 2021-01-01. Review status: criteria provided, single submitter. Criteria: ACMG Guidelines, 2015. Collection method: clinical testing. Allele origin: germline. Affected: yes.

Literature cited by the submitters: PubMed 28181551 (cited by Labcorp Genetics (formerly Invitae), Labcorp and Institute of Human Genetics, Univ. Regensburg, Univ. Regensburg).